The following is an entry in ClinVar:

ClinVar aggregate classification (germline): Uncertain significance (1 of 4 stars; one submission).

Submission:

Labcorp Genetics (formerly Invitae), Labcorp
Classification: Uncertain significance. Last evaluated: 2024-11-09. Review status: criteria provided, single submitter. Criteria: Invitae Variant Classification Sherloc (09022015). Collection method: clinical testing. Allele origin: germline.
Comment: This sequence change falls in intron 20 of the COL4A4 gene. It does not directly change the encoded amino acid sequence of the COL4A4 protein. This variant is not present in population databases (gnomAD no frequency). This variant has not been reported in the literature in individuals affected with COL4A4-related conditions. Algorithms developed to predict the effect of sequence changes on RNA splicing suggest that this variant may disrupt the consensus splice site. In summary, the available evidence is currently insufficient to determine the role of this variant in disease. Therefore, it has been classified as a Variant of Uncertain Significance.

NM_000092.5(COL4A4):c.1370-6T>A

Gene: COL4A4 (collagen type IV alpha 4 chain; minus strand). Cytogenetic location: 2q36.3.
Variant type: single nucleotide variant.
Coding change: c.1370-6T>A on transcript NM_000092.5 (MANE Select); 6 bases into the intron before coding-DNA position 1370, T replaced by A.
Molecular consequence: intron variant.
Genome position (GRCh38, 1-based): chr2:227,089,963, A>T on the plus strand (T>A on the coding strand, the complement: COL4A4 is on the minus strand). VCF-style: chr2-227089963-A-T. GRCh37 (hg19) VCF-style: chr2-227954679-A-T.
Identifiers: ClinVar variation 3724909 (VCV003724909.2).